The following is an entry in ClinVar:

NM_014956.5(CEP164):c.3898C>T (p.Gln1300Ter)

Gene: CEP164 (centrosomal protein 164; plus strand). Cytogenetic location: 11q23.3.
Variant type: single nucleotide variant.
Coding change: c.3898C>T on transcript NM_014956.5 (MANE Select); coding-DNA position 3898, C replaced by T.
Protein change: p.Gln1300Ter; replaces glutamine 1300 with a stop codon.
Molecular consequence: nonsense.
Genome position (GRCh38, 1-based): chr11:117,409,767, C>T. VCF-style: chr11-117409767-C-T. GRCh37 (hg19) VCF-style: chr11-117280483-C-T.
Other names: c.3883C>T, p.Gln1295Ter (NM_001271933.2); c.3904C>T, p.Gln1302Ter (NM_001440949.1); c.3898C>T, p.Gln1300Ter (NM_001440950.1, NM_001440951.1); c.3889C>T, p.Gln1297Ter (NM_001440952.1); c.3874C>T, p.Gln1292Ter (NM_001440953.1); c.3820C>T, p.Gln1274Ter (NM_001440954.1, NM_001440955.1); c.3811C>T, p.Gln1271Ter (NM_001440956.1); c.3808C>T, p.Gln1270Ter (NM_001440957.1); and 21 more; short protein forms Q1155*, Q1181*, Q1217*, Q1222*, Q1225*, Q1246*, Q1271*, Q1292*.
Identifiers: ClinVar variation 4718921 (VCV004718921.1).

ClinVar aggregate classification (germline): Pathogenic (1 of 4 stars; one submission).

Conditions:
Nephronophthisis 15 (NPHP15). Identifiers: Orphanet 3156, MedGen C3541853, MONDO:0013917, OMIM 614845.

Submission:

Labcorp Genetics (formerly Invitae), Labcorp
Classification: Pathogenic for Nephronophthisis 15. Last evaluated: 2025-05-09. Review status: criteria provided, single submitter. Criteria: Invitae Variant Classification Sherloc (09022015). Collection method: clinical testing. Allele origin: germline.
Comment: This sequence change creates a premature translational stop signal (p.Gln1300*) in the CEP164 gene. It is expected to result in an absent or disrupted protein product. Loss-of-function variants in CEP164 are known to be pathogenic (PMID: 22863007, 28125082, 32367404, 34132027, 34499853). This variant is not present in population databases (gnomAD no frequency). This variant has not been reported in the literature in individuals affected with CEP164-related conditions. For these reasons, this variant has been classified as Pathogenic.

Literature cited by the submitters: PubMed 22863007; PubMed 28125082; PubMed 32367404; PubMed 34132027; PubMed 34499853.